The following is an entry in ClinVar:

NM_001048174.2(MUTYH):c.57G>T (p.Gln19His)

Gene: MUTYH (mutY DNA glycosylase; minus strand). Cytogenetic location: 1p34.1.
Variant type: single nucleotide variant.
Coding change: c.57G>T on transcript NM_001048174.2 (MANE Select); coding-DNA position 57, G replaced by T.
Protein change: p.Gln19His; replaces glutamine 19 with histidine.
Molecular consequence: missense variant. On other transcripts: 5 prime UTR variant (7), non-coding transcript variant (7).
Genome position (GRCh38, 1-based): chr1:45,334,449, C>A on the plus strand (G>T on the coding strand, the complement: MUTYH is on the minus strand). VCF-style: chr1-45334449-C-A. GRCh37 (hg19) VCF-style: chr1-45800121-C-A.
Other names: c.57G>T, p.Gln19His (NM_001048171.2, NM_001048172.2, NM_001048173.2 and 15 more transcripts); c.99G>T, p.Gln33His (NM_001128425.2, NM_001293190.2, NM_001407069.1 and 2 more transcripts); c.-156G>T (NM_001293192.2, NM_001293196.2, NM_001407091.1); c.-215G>T (NM_001350650.2); c.-151G>T (NM_001350651.2, NM_001407082.1); c.-100G>T (NM_001407075.1); c.75G>T, p.Gln25His (NM_001407087.1); short protein forms Q33H, Q19H, Q25H.
Identifiers: ClinVar variation 4112835 (VCV004112835.1).

ClinVar aggregate classification (germline): Uncertain significance (1 of 4 stars; one submission).

Conditions:
Hereditary cancer-predisposing syndrome. Also called: Tumor predisposition; Neoplastic Syndromes, Hereditary; Hereditary neoplastic syndrome; Hereditary Cancer Syndrome. Identifiers: Orphanet 140162, MedGen C0027672, MeSH D009386, MONDO:0015356.

Submission:

Ambry Genetics
Classification: Uncertain significance for Hereditary cancer-predisposing syndrome. Last evaluated: 2025-08-27. Review status: criteria provided, single submitter. Criteria: Ambry Variant Classification Scheme 2023. Collection method: clinical testing. Allele origin: germline.
Comment: The p.Q33H variant (also known as c.99G>T), located in coding exon 2 of the MUTYH gene, results from a G to T substitution at nucleotide position 99. The glutamine at codon 33 is replaced by histidine, an amino acid with highly similar properties. This amino acid position is conserved. In addition, this alteration is predicted to be tolerated by in silico analysis. Based on the available evidence, the clinical significance of this variant remains unclear.